The following is an entry in ClinVar:

NM_004360.5(CDH1):c.1008+4_1008+5del

Gene: CDH1 (cadherin 1; plus strand). Cytogenetic location: 16q22.1.
Variant type: Deletion.
Coding change: c.1008+4_1008+5del on transcript NM_004360.5 (MANE Select); bases 4 to 5 of the intron after coding-DNA position 1008, 2 bases deleted (AG; older notation c.1008+4_1008+5delAG).
Molecular consequence: intron variant.
Genome position (GRCh38, 1-based): chr16:68,811,863-68,811,864, AG deleted. VCF-style (leftmost placement, unchanged base first): chr16-68811862-CAG-C. GRCh37 (hg19) VCF-style: chr16-68845765-CAG-C.
Other names: c.1008+4_1008+5del (LRG_301t1, NM_001317184.2); c.-608+4_-608+5del (NM_001317185.2); c.-812+4_-812+5del (NM_001317186.2).
Identifiers: ClinVar variation 653440 (VCV000653440.7), dbSNP rs1597894346, ClinGen allele CA915949307.

ClinVar aggregate classification (germline): Uncertain significance (1 of 4 stars; one submission).

Conditions:
Hereditary diffuse gastric adenocarcinoma (HDGC). Also called: DIFFUSE GASTRIC AND LOBULAR BREAST CANCER SYNDROME. Identifiers: Orphanet 26106, MedGen C1708349, MONDO:0007648, OMIM 137215.

Submission:

Labcorp Genetics (formerly Invitae), Labcorp
Classification: Uncertain significance for Hereditary diffuse gastric adenocarcinoma. Last evaluated: 2024-03-11. Review status: criteria provided, single submitter. Criteria: Invitae Variant Classification Sherloc (09022015). Collection method: clinical testing. Allele origin: germline.
Comment: This sequence change falls in intron 7 of the CDH1 gene. It does not directly change the encoded amino acid sequence of the CDH1 protein. It affects a nucleotide within the consensus splice site. This variant is not present in population databases (gnomAD no frequency). This variant has not been reported in the literature in individuals affected with CDH1-related conditions. ClinVar contains an entry for this variant (Variation ID: 653440). Variants that disrupt the consensus splice site are a relatively common cause of aberrant splicing (PMID: 17576681, 9536098). Algorithms developed to predict the effect of sequence changes on RNA splicing suggest that this variant may disrupt the consensus splice site. In summary, the available evidence is currently insufficient to determine the role of this variant in disease. Therefore, it has been classified as a Variant of Uncertain Significance.

Literature cited by the submitters: PubMed 17576681; PubMed 9536098.